The following is an entry in ClinVar:

ClinVar aggregate classification (germline): Likely pathogenic (1 of 4 stars; one submission).

Conditions:
PRPH2-related disorder. Also called: PRPH2-related condition; PRPH2-related disorders. Identifiers: MedGen CN239395.

Submission:

Labcorp Genetics (formerly Invitae), Labcorp
Classification: Likely pathogenic for PRPH2-related disorder. Last evaluated: 2023-11-13. Review status: criteria provided, single submitter. Criteria: Invitae Variant Classification Sherloc (09022015). Collection method: clinical testing. Allele origin: germline.
Comment: This sequence change replaces cysteine, which is neutral and slightly polar, with glycine, which is neutral and non-polar, at codon 213 of the PRPH2 protein (p.Cys213Gly). This variant is not present in population databases (gnomAD no frequency). This variant has not been reported in the literature in individuals affected with PRPH2-related conditions. Advanced modeling of protein sequence and biophysical properties (such as structural, functional, and spatial information, amino acid conservation, physicochemical variation, residue mobility, and thermodynamic stability) performed at Invitae indicates that this missense variant is expected to disrupt PRPH2 protein function with a positive predictive value of 95%. This variant disrupts the p.Cys213 amino acid residue in PRPH2. Other variant(s) that disrupt this residue have been determined to be pathogenic (PMID: 11934323, 28559085). This suggests that this residue is clinically significant, and that variants that disrupt this residue are likely to be disease-causing. In summary, the currently available evidence indicates that the variant is pathogenic, but additional data are needed to prove that conclusively. Therefore, this variant has been classified as Likely Pathogenic.

Literature cited by the submitters: PubMed 11934323; PubMed 28559085.

NM_000322.5(PRPH2):c.637T>G (p.Cys213Gly)

Gene: PRPH2 (peripherin 2; minus strand). Cytogenetic location: 6p21.1.
Variant type: single nucleotide variant.
Coding change: c.637T>G on transcript NM_000322.5 (MANE Select); coding-DNA position 637, T replaced by G.
Protein change: p.Cys213Gly; replaces cysteine 213 with glycine.
Molecular consequence: missense variant.
Genome position (GRCh38, 1-based): chr6:42,704,556, A>C on the plus strand (T>G on the coding strand, the complement: PRPH2 is on the minus strand). VCF-style: chr6-42704556-A-C. GRCh37 (hg19) VCF-style: chr6-42672294-A-C.
Other names: short protein forms C213G.
Identifiers: ClinVar variation 2695574 (VCV002695574.3), dbSNP rs61755802, ClinGen allele CA364135593.
Genomic context (GRCh38, chr6:42,704,556, plus strand): 5'-GTGCTGAGTTGTTGGTGATCTGATACTGGATGCAGGGCCGTGGCGAGCTAGGATTGCAGC[A>C]GCTGAAAGGGACGCCGTCCACCAGGTACCGCCCATCCACGTTGCTCTTGATTCGACTTAA-3'
Protein context (NP_000313.2, residues 203-223): RYLVDGVPFS[Cys213Gly]CNPSSPRPCI